The following is an entry in ClinVar:

NM_000082.4(ERCC8):c.246C>A (p.Tyr82Ter)

Gene: ERCC8 (ERCC excision repair 8, CSA ubiquitin ligase complex subunit; minus strand). Cytogenetic location: 5q12.1.
Variant type: single nucleotide variant.
Coding change: c.246C>A on transcript NM_000082.4 (MANE Select); coding-DNA position 246, C replaced by A.
Protein change: p.Tyr82Ter; replaces tyrosine 82 with a stop codon.
Molecular consequence: nonsense. On other transcripts: 5 prime UTR variant (1).
Genome position (GRCh38, 1-based): chr5:60,922,083, G>T on the plus strand (C>A on the coding strand, the complement: ERCC8 is on the minus strand). VCF-style: chr5-60922083-G-T. GRCh37 (hg19) VCF-style: chr5-60217910-G-T.
Other names: c.72C>A, p.Tyr24Ter (NM_001007233.3); c.246C>A, p.Tyr82Ter (NM_001007234.3); c.-132C>A (NM_001290285.2); short protein forms Y24*, Y82*.
Identifiers: ClinVar variation 5012674 (VCV005012674.1).
Genomic context (GRCh38, chr5:60,922,083, plus strand): 5'-ATTCATAAATTTTTACATTTTAAATACATACCTGCCAATGGAACACACTGCTTTACATGT[G>T]TAATAAGATTGTCTGCTGGAGTTCTCAAGGTCATAAAGTACAATCACACCATCTGAACCA-3'

ClinVar aggregate classification (germline): Pathogenic (1 of 4 stars; one submission).

Conditions:
Cockayne syndrome type 1. Also called: Cockayne syndrome type I; Cockayne syndrome classical; Cockayne syndrome classic form. Identifiers: Orphanet 191, Orphanet 90321, MedGen C0751039, MONDO:0019569, OMIM 216400.

Submission:

Myriad Genetics, Inc.
Classification: Pathogenic for Cockayne syndrome type 1. Last evaluated: 2024-01-22. Review status: criteria provided, single submitter. Criteria: Myriad Autosomal Dominant, Autosomal Recessive and X-Linked Classification Criteria (2023). Collection method: clinical testing. Allele origin: unknown.
Comment: NM_000082.3(ERCC8):c.246C>A(Y82*) is expected to be pathogenic in the context of ERCC8-related disorders. This variant is predicted to lead to an abnormal or absent protein product due to the creation of a premature termination codon in ERCC8, a gene where loss-of-function variants are known to be pathogenic. Please note: this variant was assessed in the context of healthy population screening.